The following is an entry in ClinVar:

ClinVar aggregate classification (germline): Uncertain significance (1 of 4 stars; one submission).

Conditions:
Ataxia-telangiectasia syndrome (AT). Also called: Cerebello-oculocutaneous telangiectasia; Immunodeficiency with ataxia telangiectasia; Ataxia telangiectasia (A-T); LOUIS-BAR SYNDROME; Ataxia-telangiectasia, complementation group D; AT, COMPLEMENTATION GROUP C. Identifiers: Orphanet 100, MedGen C0004135, MONDO:0008840, OMIM 208900.

Submission:

Labcorp Genetics (formerly Invitae), Labcorp
Classification: Uncertain significance for Ataxia-telangiectasia syndrome. Last evaluated: 2022-06-26. Review status: criteria provided, single submitter. Criteria: Invitae Variant Classification Sherloc (09022015). Collection method: clinical testing. Allele origin: germline.
Comment: In summary, the available evidence is currently insufficient to determine the role of this variant in disease. Therefore, it has been classified as a Variant of Uncertain Significance. Advanced modeling of protein sequence and biophysical properties (such as structural, functional, and spatial information, amino acid conservation, physicochemical variation, residue mobility, and thermodynamic stability) performed at Invitae indicates that this missense variant is not expected to disrupt ATM protein function. This variant has not been reported in the literature in individuals affected with ATM-related conditions. This variant is not present in population databases (gnomAD no frequency). This sequence change replaces isoleucine, which is neutral and non-polar, with serine, which is neutral and polar, at codon 1290 of the ATM protein (p.Ile1290Ser).

NM_000051.4(ATM):c.3869T>G (p.Ile1290Ser)

Gene: ATM (ATM serine/threonine kinase; plus strand). Cytogenetic location: 11q22.3.
Variant type: single nucleotide variant.
Coding change: c.3869T>G on transcript NM_000051.4 (MANE Select); coding-DNA position 3869, T replaced by G.
Protein change: p.Ile1290Ser; replaces isoleucine 1290 with serine.
Molecular consequence: missense variant.
Genome position (GRCh38, 1-based): chr11:108,284,349, T>G. VCF-style: chr11-108284349-T-G. GRCh37 (hg19) VCF-style: chr11-108155076-T-G.
Other names: c.3869T>G, p.Ile1290Ser (NM_001351834.2); short protein forms I1290S.
Identifiers: ClinVar variation 2011115 (VCV002011115.4), dbSNP rs2135707181, ClinGen allele CA382525360.